The following is an entry in ClinVar:

NM_000811.3(GABRA6):c.1005C>G (p.Ala335=)

Gene: GABRA6 (gamma-aminobutyric acid type A receptor subunit alpha6; plus strand). Cytogenetic location: 5q34.
Variant type: single nucleotide variant.
Coding change: c.1005C>G on transcript NM_000811.3 (MANE Select); coding-DNA position 1005, C replaced by G.
Protein change: p.Ala335=; no amino-acid change (alanine 335 retained).
Molecular consequence: synonymous variant.
Genome position (GRCh38, 1-based): chr5:161,692,119, C>G. VCF-style: chr5-161692119-C-G. GRCh37 (hg19) VCF-style: chr5-161119125-C-G.
Other names: c.1005C>G (NM_000811.2).
Identifiers: ClinVar variation 1169911 (VCV001169911.11), dbSNP rs13184586, ClinGen allele CA3544070.
Genomic context (GRCh38, chr5:161,692,119, plus strand): 5'-CTCTGCGCTTATCGAGTTCGCAGCTGTCAACTACTTTACCAATCTTCAGACACAGAAGGC[C>G]AAAAGGAAGGCACAGTTTGCAGCCCCACCCACAGTGACAATATCAAAAGCTACTGAACCT-3'
Protein context (NP_000802.2, residues 325-345): NYFTNLQTQK[Ala335=]KRKAQFAAPP

ClinVar aggregate classification (germline): Benign. Review status: criteria provided, single submitter (1 of 4 stars). 2 submissions from 2 submitters: Benign (1). 1 of the submissions does not count toward it. Last evaluated 2025-08-18.

Conditions:
Childhood absence epilepsy. Identifiers: Orphanet 64280, MedGen C4281785, MONDO:0010826.
GABRA6-related disorder. Also called: GABRA6-related condition.

Allele frequency attached by ClinVar (database versions not stated): 1000 Genomes Project 0.40116; 1000 Genomes Project 30x 0.40319; TOPMed 0.45951; ExAC 0.48544; ESP Exome Variant Server 0.48808.
gnomAD v4.1: 864,917 of 1,613,736 alleles (54%); highest among the groups gnomAD compares: Non-Finnish European, 57%; 236,907 homozygotes.

Submissions (2):

Labcorp Genetics (formerly Invitae), Labcorp
Classification: Benign for Childhood absence epilepsy. Last evaluated: 2025-08-18. Review status: criteria provided, single submitter. Criteria: Invitae Variant Classification Sherloc (09022015). Collection method: clinical testing. Allele origin: germline.

PreventionGenetics, part of Exact Sciences
Classification: Benign for GABRA6-related condition. Last evaluated: 2019-10-16. Review status: no assertion criteria provided. Collection method: clinical testing. Allele origin: germline. Not counted in ClinVar's aggregate classification.
Comment: This variant is classified as benign based on ACMG/AMP sequence variant interpretation guidelines (Richards et al. 2015 PMID: 25741868, with internal and published modifications).